The following is an entry in ClinVar:

ClinVar aggregate classification (germline): Uncertain significance (1 of 4 stars; one submission).

Conditions:
NIK deficiency. Also called: Primary immunodeficiency with multifaceted aberrant lymphoid immunity. Identifiers: Orphanet 447731, MedGen C5680065, MONDO:0018642.

Submission:

Labcorp Genetics (formerly Invitae), Labcorp
Classification: Uncertain significance for NIK deficiency. Last evaluated: 2019-06-26. Review status: criteria provided, single submitter. Criteria: Invitae Variant Classification Sherloc (09022015). Collection method: clinical testing. Allele origin: germline.
Comment: This sequence change replaces glutamine with proline at codon 771 of the MAP3K14 protein (p.Gln771Pro). The glutamine residue is highly conserved and there is a moderate physicochemical difference between glutamine and proline. This variant is not present in population databases (ExAC no frequency). This variant has not been reported in the literature in individuals with MAP3K14-related disease. Algorithms developed to predict the effect of missense changes on protein structure and function (SIFT, PolyPhen-2, Align-GVGD) all suggest that this variant is likely to be disruptive, but these predictions have not been confirmed by published functional studies and their clinical significance is uncertain. In summary, the available evidence is currently insufficient to determine the role of this variant in disease. Therefore, it has been classified as a Variant of Uncertain Significance.

NM_003954.5(MAP3K14):c.2312A>C (p.Gln771Pro)

Genes: MAP3K14 (mitogen-activated protein kinase kinase kinase 14; minus strand), MAP3K14-AS1 (MAP3K14 antisense RNA 1; plus strand), LOC126862575 (CDK7 strongly-dependent group 2 enhancer GRCh37_chr17:43344006-43345205; plus strand). Cytogenetic location: 17q21.31.
Variant type: single nucleotide variant.
Coding change: c.2312A>C on transcript NM_003954.5 (MANE Select); coding-DNA position 2312, A replaced by C.
Protein change: p.Gln771Pro; replaces glutamine 771 with proline.
Molecular consequence: missense variant.
Genome position (GRCh38, 1-based): chr17:45,267,420, T>G on the plus strand (A>C on the coding strand, the complement: MAP3K14 is on the minus strand). VCF-style: chr17-45267420-T-G. GRCh37 (hg19) VCF-style: chr17-43344787-T-G.
Other names: c.2312A>C, p.Gln771Pro (LRG_1222t1); short protein forms Q771P.
Identifiers: ClinVar variation 544324 (VCV000544324.9), dbSNP rs148416800, ClinGen allele CA291055847.